The following is an entry in ClinVar:

NM_001042545.2(LTBP4):c.429C>G (p.Arg143=)

Gene: LTBP4 (latent transforming growth factor beta binding protein 4; plus strand). Cytogenetic location: 19q13.2.
Variant type: single nucleotide variant.
Coding change: c.429C>G on transcript NM_001042545.2 (MANE Select); coding-DNA position 429, C replaced by G.
Protein change: p.Arg143=; no amino-acid change (arginine 143 retained).
Molecular consequence: synonymous variant.
Genome position (GRCh38, 1-based): chr19:40,605,213, C>G. VCF-style: chr19-40605213-C-G. GRCh37 (hg19) VCF-style: chr19-41111119-C-G.
Other names: c.630C>G, p.Arg210= (NM_001042544.1); c.519C>G, p.Arg173= (NM_003573.2).
Identifiers: ClinVar variation 3053695 (VCV003053695.3), dbSNP rs765763820, ClinGen allele CA9448022.
Genomic context (GRCh38, chr19:40,605,213, plus strand): 5'-GGCCCCGGCTGTACCAGGCCTCACCCGCTCCGTGTACACTATGCCACTGGCCAACCACCG[C>G]GACGACGAGCACGGTGAGGAAAGGGTGGCCAGAGTCCCCTCCGACCCCTGTCAAGCATTT-3'
Protein context (NP_001036010.1, residues 133-153): SVYTMPLANH[Arg143=]DDEHGVASMV

ClinVar aggregate classification (germline): Likely benign. Review status: criteria provided, single submitter (1 of 4 stars). 2 submissions from 2 submitters: Likely benign (1). 1 of the submissions does not count toward it. Last evaluated 2025-12-14.

Conditions:
LTBP4-related disorder. Also called: LTBP4-related condition.

Allele frequency attached by ClinVar (database versions not stated): TOPMed below 0.00001; gnomAD 0.00001.
gnomAD v4.1: 6 of 1,596,266 alleles (0.00038%); highest among the groups gnomAD compares: Non-Finnish European, 0.00051%; no homozygotes.

Submissions (2):

Labcorp Genetics (formerly Invitae), Labcorp
Classification: Likely benign. Last evaluated: 2025-12-14. Review status: criteria provided, single submitter. Criteria: Invitae Variant Classification Sherloc (09022015). Collection method: clinical testing. Allele origin: germline.

PreventionGenetics, part of Exact Sciences
Classification: Likely benign for LTBP4-related condition. Last evaluated: 2024-02-28. Review status: no assertion criteria provided. Collection method: clinical testing. Allele origin: germline. Not counted in ClinVar's aggregate classification.
Comment: This variant is classified as likely benign based on ACMG/AMP sequence variant interpretation guidelines (Richards et al. 2015 PMID: 25741868, with internal and published modifications).